The following is an entry in ClinVar:

NM_002291.3(LAMB1):c.1810A>T (p.Ile604Leu)

Gene: LAMB1 (laminin subunit beta 1; minus strand). Cytogenetic location: 7q31.1.
Variant type: single nucleotide variant.
Coding change: c.1810A>T on transcript NM_002291.3 (MANE Select); coding-DNA position 1810, A replaced by T.
Protein change: p.Ile604Leu; replaces isoleucine 604 with leucine.
Molecular consequence: missense variant.
Genome position (GRCh38, 1-based): chr7:107,962,952, T>A on the plus strand (A>T on the coding strand, the complement: LAMB1 is on the minus strand). VCF-style: chr7-107962952-T-A. GRCh37 (hg19) VCF-style: chr7-107603397-T-A.
Other names: c.1810A>T (NM_002291.2); short protein forms I604L.
Identifiers: ClinVar variation 2155190 (VCV002155190.6), dbSNP rs775226319, ClinGen allele CA4435878.
Genomic context (GRCh38, chr7:107,962,952, plus strand): 5'-GTGGTTTCTTTACCTGTGGCTCGTAGCGAATTAGGATGTCGTACTCCATGGAATATGGTA[T>A]GTTGTCAATGAAAAACTCCAAATAAGCCCCTTCAGGCACTCGGACGAAGCCGGCTCCAGT-3'
Protein context (NP_002282.2, residues 594-614): GAYLEFFIDN[Ile604Leu]PYSMEYDILI

ClinVar aggregate classification (germline): Uncertain significance. Review status: criteria provided, multiple submitters, no conflicts (2 of 4 stars). 2 submissions from 2 submitters: Uncertain significance (2). Last evaluated 2025-03-17.

Conditions:
Inborn genetic diseases. Identifiers: MedGen C0950123, MeSH D030342.

Allele frequency attached by ClinVar (database versions not stated): gnomAD 0.00003; ExAC 0.00004.
gnomAD v4.1: 59 of 1,613,960 alleles (0.0037%); highest among the groups gnomAD compares: Admixed American, 0.0033%; no homozygotes.

Submissions (2):

Labcorp Genetics (formerly Invitae), Labcorp
Classification: Uncertain significance. Last evaluated: 2025-03-17. Review status: criteria provided, single submitter. Criteria: Invitae Variant Classification Sherloc (09022015). Collection method: clinical testing. Allele origin: germline.
Comment: This sequence change replaces isoleucine, which is neutral and non-polar, with leucine, which is neutral and non-polar, at codon 604 of the LAMB1 protein (p.Ile604Leu). This variant is present in population databases (rs775226319, gnomAD 0.08%). This variant has not been reported in the literature in individuals affected with LAMB1-related conditions. ClinVar contains an entry for this variant (Variation ID: 2155190). An algorithm developed to predict the effect of missense changes on protein structure and function (PolyPhen-2) suggests that this variant is likely to be tolerated. In summary, the available evidence is currently insufficient to determine the role of this variant in disease. Therefore, it has been classified as a Variant of Uncertain Significance.

Ambry Genetics
Classification: Uncertain significance for Inborn genetic diseases. Last evaluated: 2025-02-06. Review status: criteria provided, single submitter. Criteria: Ambry Variant Classification Scheme 2023. Collection method: clinical testing. Allele origin: germline.